The following is an entry in ClinVar:

ClinVar aggregate classification (germline): Uncertain significance (1 of 4 stars; one submission).

Conditions:
Hereditary cancer-predisposing syndrome. Also called: Tumor predisposition; Hereditary Cancer Syndrome; Hereditary neoplastic syndrome; Neoplastic Syndromes, Hereditary. Identifiers: Orphanet 140162, MedGen C0027672, MeSH D009386, MONDO:0015356.

gnomAD v4.1: 2 of 1,614,068 alleles (0.00012%); highest among the groups gnomAD compares: African/African-American, 0.0013%; no homozygotes.

Submission:

Ambry Genetics
Classification: Uncertain significance for Hereditary cancer-predisposing syndrome. Last evaluated: 2024-04-09. Review status: criteria provided, single submitter. Criteria: Ambry Variant Classification Scheme 2023. Collection method: clinical testing. Allele origin: germline.
Comment: The p.A752V variant (also known as c.2255C>T), located in coding exon 15 of the CTNNA1 gene, results from a C to T substitution at nucleotide position 2255. The alanine at codon 752 is replaced by valine, an amino acid with similar properties. This amino acid position is conserved. In addition, the in silico prediction for this alteration is inconclusive. Based on the available evidence, the clinical significance of this variant remains unclear.

NM_001903.5(CTNNA1):c.2255C>T (p.Ala752Val)

Gene: CTNNA1 (catenin alpha 1; plus strand). Cytogenetic location: 5q31.2.
Variant type: single nucleotide variant.
Coding change: c.2255C>T on transcript NM_001903.5 (MANE Select); coding-DNA position 2255, C replaced by T.
Protein change: p.Ala752Val; replaces alanine 752 with valine.
Molecular consequence: missense variant.
Genome position (GRCh38, 1-based): chr5:138,930,892, C>T. VCF-style: chr5-138930892-C-T. GRCh37 (hg19) VCF-style: chr5-138266581-C-T.
Other names: c.2255C>T, p.Ala752Val (NM_001323984.2, NM_001323985.2, NM_001290307.3 and 2 more transcripts); c.2162C>T, p.Ala721Val (NM_001323986.2); c.1145C>T, p.Ala382Val (NM_001323987.1, NM_001323988.1, NM_001323989.1 and 17 more transcripts); c.1946C>T, p.Ala649Val (NM_001290309.3); c.1886C>T, p.Ala629Val (NM_001290310.3); c.806C>T, p.Ala269Val (NM_001324006.1, NM_001324007.1, NM_001324008.1 and 2 more transcripts); c.1052C>T, p.Ala351Val (NM_001324011.1); c.902C>T, p.Ala301Val (NM_001324012.1, NM_001324013.1); short protein forms A382V, A752V, A351V, A649V, A301V, A629V, A269V, A721V.
Identifiers: ClinVar variation 3270093 (VCV003270093.1).